The following is an entry in ClinVar:

NM_000784.4(CYP27A1):c.409C>T (p.Arg137Trp)

Gene: CYP27A1 (cytochrome P450 family 27 subfamily A member 1; plus strand). Cytogenetic location: 2q35.
Variant type: single nucleotide variant.
Coding change: c.409C>T on transcript NM_000784.4 (MANE Select); coding-DNA position 409, C replaced by T.
Protein change: p.Arg137Trp; replaces arginine 137 with tryptophan.
Molecular consequence: missense variant.
Genome position (GRCh38, 1-based): chr2:218,809,730, C>T. VCF-style: chr2-218809730-C-T. GRCh37 (hg19) VCF-style: chr2-219674453-C-T.
Other names: p.Arg137Trp; c.409C>T; short protein forms R137W.
Identifiers: ClinVar variation 65867 (VCV000065867.30), dbSNP rs72551312, ClinGen allele CA345197.

ClinVar aggregate classification (germline): Conflicting classifications of pathogenicity. Review status: criteria provided, conflicting classifications (1 of 4 stars). 10 submissions from 10 submitters: Pathogenic (4); Likely pathogenic (3); Uncertain significance (1). 2 of the submissions do not count toward it. Last evaluated 2026-05-19.

Conditions:
CYP27A1-related disorder. Also called: CYP27A1-related condition.
Cholestanol storage disease (CTX). Also called: CEREBRAL CHOLESTERINOSIS; Cerebrotendinous Xanthomatosis; CTX: Cerebrotendinous xanthomatosis. Identifiers: Orphanet 909, MedGen C0238052, MONDO:0008948, OMIM 213700.

Allele frequency attached by ClinVar (database versions not stated): gnomAD 0.00001; ExAC 0.00002; gnomAD exomes 0.00002 and 0.00004.
gnomAD v4.1: 26 of 1,613,856 alleles (0.0016%); highest among the groups gnomAD compares: East Asian, 0.011%; no homozygotes.

Submissions (10):

PreventionGenetics, part of Exact Sciences
Classification: Pathogenic for CYP27A1-related condition. Last evaluated: 2026-05-19. Review status: criteria provided, single submitter. Criteria: ACMG Guidelines, 2015. Collection method: clinical testing. Allele origin: germline.
Comment: The CYP27A1 c.409C>T variant is predicted to result in the amino acid substitution p.Arg137Trp. This variant is also described using legacy nomenclature as p.Arg104Trp. This variant has been reported in the homozygous or compound heterozygous state in individuals with cerebrotendinous xanthomatosis (Nakashima et al. 1994. PubMed ID: 8006521; Chen et al. 2011. PubMed ID: 21553098). This variant is reported in 0.038% of alleles in individuals of East Asian descent in gnomAD. This variant is interpreted as pathogenic.

Dasa
Classification: Likely pathogenic. Last evaluated: 2025-12-23. Review status: criteria provided, single submitter. Criteria: DASA Assertion Criteria. Collection method: clinical testing. Allele origin: germline.
Comment: NM_000784.4(CYP27A1):c.409C>T (p.Arg137Trp) is a missense variant that results in the substitution of arginine with tryptophan. The affected residue or protein region has prior evidence supporting clinical relevance. This variant has been recurrently observed in individuals with CYP27A1-related disorders (PMID: 33891937; PMID: 39827842). Also, this variant is rare in population databases. Computational evidence supports a deleterious effect. Based on the currently available evidence, this variant is classified as likely pathogenic.

Natera, Inc.
Classification: Pathogenic for Cerebrotendinous xanthomatosis. Last evaluated: 2025-10-30. Review status: criteria provided, single submitter. Criteria: Natera Variant Classification Schema (03/2026). Collection method: clinical testing. Allele origin: germline.
Comment: The c.409C>T variant in CYP27A1 is a missense variant predicted to cause substitution of arginine to tryptophan at amino acid 137. This variant is rare in the general population with a frequency below the threshold expected for the associated phenotype(s). This variant has been observed in one or more individuals affected with the associated recessive disease, as either homozygous or compound heterozygous with a second variant (PMID: 8006521, 21553098, 28623566, 38772327, 39827842). Additionally, this variant has been observed to segregate in affected family members (PMID: 38772327). A different variant at the same position has been determined to be Pathogenic or Likely Pathogenic. Computational prediction algorithms indicate this variant is likely to affect gene or protein function. Given the available evidence, this variant is classified as Pathogenic.

Labcorp Genetics (formerly Invitae), Labcorp
Classification: Pathogenic for Cholestanol storage disease. Last evaluated: 2025-06-24. Review status: criteria provided, single submitter. Criteria: Invitae Variant Classification Sherloc (09022015). Collection method: clinical testing. Allele origin: germline.
Comment: This sequence change replaces arginine, which is basic and polar, with tryptophan, which is neutral and slightly polar, at codon 137 of the CYP27A1 protein (p.Arg137Trp). This variant is present in population databases (rs72551312, gnomAD 0.04%). This missense change has been observed in individual(s) with cerebrotendinous xanthomatosis (PMID: 8006521, 21553098). In at least one individual the data is consistent with being in trans (on the opposite chromosome) from a pathogenic variant. It has also been observed to segregate with disease in related individuals. This variant is also known as p.Arg104Trp. ClinVar contains an entry for this variant (Variation ID: 65867). Invitae Evidence Modeling of protein sequence and biophysical properties (such as structural, functional, and spatial information, amino acid conservation, physicochemical variation, residue mobility, and thermodynamic stability) indicates that this missense variant is expected to disrupt CYP27A1 protein function with a positive predictive value of 95%. This variant disrupts the p.Arg137 amino acid residue in CYP27A1. Other variant(s) that disrupt this residue have been determined to be pathogenic (PMID: 20558929, 28623566, 29269672). This suggests that this residue is clinically significant, and that variants that disrupt this residue are likely to be disease-causing. For these reasons, this variant has been classified as Pathogenic.

GeneDx
Classification: Uncertain significance. Last evaluated: 2024-11-01. Review status: criteria provided, single submitter. Criteria: GeneDx Variant Classification Process June 2021. Collection method: clinical testing. Allele origin: germline. Affected: yes.
Comment: In silico analysis supports that this missense variant has a deleterious effect on protein structure/function; This variant is associated with the following publications: (PMID: 34426522, 17697869, 21553098, 33891937, 35041927, 8006521, 38336741, 38772327, 33830582)

Fulgent Genetics
Classification: Likely pathogenic for Cholestanol storage disease. Last evaluated: 2024-05-19. Review status: criteria provided, single submitter. Criteria: ACMG Guidelines, 2015. Collection method: clinical testing. Allele origin: germline.

Mayo Clinic Laboratories, Mayo Clinic
Classification: Likely pathogenic. Last evaluated: 2023-07-13. Review status: criteria provided, single submitter. Criteria: ACMG Guidelines, 2015. Collection method: clinical testing. Allele origin: germline. Observed: 1 variant allele.
Comment: PP1, PP3, PM3, PM5, PS4_moderate

Institute of Medical Genetics and Applied Genomics, University Hospital Tübingen
Classification: Pathogenic. Last evaluated: 2020-10-23. Review status: criteria provided, single submitter. Criteria: ACMG Guidelines, 2015. Collection method: clinical testing. Allele origin: germline. Inheritance: Autosomal recessive inheritance. Affected: yes.

Counsyl
Classification: Uncertain significance for Cholestanol storage disease. Last evaluated: 2017-07-12. Review status: no assertion criteria provided. Collection method: clinical testing. Allele origin: unknown. Not counted in ClinVar's aggregate classification.

GeneReviews
Classification: Pathogenic for Cerebrotendinous Xanthomatosis. Last evaluated: 2013-08-01. Review status: no assertion criteria provided. Collection method: curation. Allele origin: unknown. Not counted in ClinVar's aggregate classification.
ClinVar note: Converted during submission from pathologic to Pathogenic.

Literature cited by the submitters: PubMed 33891937 (cited by Dasa); PubMed 39827842 (cited by Dasa and Natera, Inc.); PubMed 8006521 (cited by 4 submitters); PubMed 21553098 (cited by 4 submitters); PubMed 28623566 (cited by Natera, Inc. and Labcorp Genetics (formerly Invitae), Labcorp); PubMed 38772327 (cited by Natera, Inc.); PubMed 20558929 (cited by Labcorp Genetics (formerly Invitae), Labcorp); PubMed 29269672 (cited by Labcorp Genetics (formerly Invitae), Labcorp); PubMed 17697869 (cited by Mayo Clinic Laboratories, Mayo Clinic and Counsyl).